The following is an entry in ClinVar:

NM_004917.5(KLK4):c.620_621del (p.Ser207fs)

Gene: KLK4 (kallikrein related peptidase 4; minus strand). Cytogenetic location: 19q13.41.
Variant type: Microsatellite.
Coding change: c.620_621del on transcript NM_004917.5 (MANE Select); coding-DNA positions 620 to 621, 2 bases deleted (CT; older notation c.620_621delCT).
Protein change: p.Ser207fs; shifts the reading frame from serine 207.
Molecular consequence: frameshift variant. On other transcripts: non-coding transcript variant (1).
Genome position (GRCh38, 1-based): chr19:50,907,078-50,907,079, AG deleted on the plus strand (CT on the coding strand, the reverse complement: KLK4 is on the minus strand); deleting any 2 consecutive bases within chr19:50,907,078-50,907,081 gives the same sequence; the c. name uses the placement nearest the transcript's 3' end. VCF-style (leftmost placement, unchanged base first): chr19-50907077-CAG-C. GRCh37 (hg19) VCF-style: chr19-51410333-CAG-C.
Other names: c.620_621delCT (NM_004917.4); c.335_336del, p.Ser112fs (NM_001302961.2); short protein forms S112fs, S207fs.
Identifiers: ClinVar variation 1299354 (VCV001299354.2), dbSNP rs768235705, ClinGen allele CA9605006.
Genomic context (GRCh38, chr19:50,907,077, plus strand): 5'-ACGGGGCTTTTCCGAAAGACACAAGGCCCTGCAAGTACCCGTTGCAGATCAGGGGCCCCC[CAG>C]AGTCACCCTGTTGTGAAGAGAGGGAGAGTCAGAATTCAAAACACAGAGAGGTGGAAATGG-3'

ClinVar aggregate classification (germline): Likely pathogenic (1 of 4 stars; one submission).

Conditions:
Amelogenesis imperfecta type 2A1. Also called: AMELOGENESIS IMPERFECTA, PIGMENTED HYPOMATURATION TYPE, 1; Amelogenesis imperfecta, type IIA1. Identifiers: Orphanet 88661, MedGen C2673922, MONDO:0008772, OMIM 204700. Disease mechanism: loss of function.

Submission:

Genetic Diagnostics Department, Viafet Genomics Laboratory
Classification: Likely pathogenic for Amelogenesis imperfecta type 2A1. Last evaluated: 2021-08-23. Review status: criteria provided, single submitter. Criteria: ACMG Guidelines, 2015. Collection method: clinical testing. Allele origin: germline. Inheritance: Autosomal recessive inheritance. Affected: no. Observed: 1 variant allele.
Comment: This variant is present in exon 5/5 in a position that is conserved across both transcripts of this gene (2/2). A loss-of-function variant is reported as disease-causing in HGMD and ClinVar after this position. In vitro expression of the mutant protein has revealed a great reduction in protein level and absence of proteolytic activity compared to the wildtype (PMID: 26124219).

Literature cited by the submitters: PubMed 26124219.